The following is an entry in ClinVar:

NM_207391.3(RGS9BP):c.601G>T (p.Glu201Ter)

Gene: RGS9BP (regulator of G protein signaling 9 binding protein; plus strand). Cytogenetic location: 19q13.11.
Variant type: single nucleotide variant.
Coding change: c.601G>T on transcript NM_207391.3 (MANE Select); coding-DNA position 601, G replaced by T.
Protein change: p.Glu201Ter; replaces glutamic acid 201 with a stop codon.
Molecular consequence: nonsense.
Genome position (GRCh38, 1-based): chr19:32,676,864, G>T. VCF-style: chr19-32676864-G-T. GRCh37 (hg19) VCF-style: chr19-33167770-G-T.
Other names: short protein forms E201*.
Identifiers: ClinVar variation 2038766 (VCV002038766.4), dbSNP rs1349680427, ClinGen allele CA405187334.

ClinVar aggregate classification (germline): Uncertain significance (1 of 4 stars; one submission).

Allele frequency attached by ClinVar (database versions not stated): gnomAD exomes 0.00001.

Submission:

Labcorp Genetics (formerly Invitae), Labcorp
Classification: Uncertain significance. Last evaluated: 2023-07-17. Review status: criteria provided, single submitter. Criteria: Invitae Variant Classification Sherloc (09022015). Collection method: clinical testing. Allele origin: germline.
Comment: In summary, the available evidence is currently insufficient to determine the role of this variant in disease. Therefore, it has been classified as a Variant of Uncertain Significance. Experimental studies and prediction algorithms are not available or were not evaluated, and the functional significance of this variant is currently unknown. ClinVar contains an entry for this variant (Variation ID: 2038766). This variant has not been reported in the literature in individuals affected with RGS9BP-related conditions. This variant is present in population databases (no rsID available, gnomAD 0.01%). This sequence change creates a premature translational stop signal (p.Glu201*) in the RGS9BP gene. While this is not anticipated to result in nonsense mediated decay, it is expected to disrupt the last 35 amino acid(s) of the RGS9BP protein.